The following is an entry in ClinVar:

NM_002968.3(SALL1):c.2793G>A (p.Pro931=)

Gene: SALL1 (spalt like transcription factor 1; minus strand). Cytogenetic location: 16q12.1.
Variant type: single nucleotide variant.
Coding change: c.2793G>A on transcript NM_002968.3 (MANE Select); coding-DNA position 2793, G replaced by A.
Protein change: p.Pro931=; no amino-acid change (proline 931 retained).
Molecular consequence: synonymous variant.
Genome position (GRCh38, 1-based): chr16:51,139,429, C>T on the plus strand (G>A on the coding strand, the complement: SALL1 is on the minus strand). VCF-style: chr16-51139429-C-T. GRCh37 (hg19) VCF-style: chr16-51173340-C-T.
Other names: c.2502G>A, p.Pro834= (NM_001127892.2).
Identifiers: ClinVar variation 2026126 (VCV002026126.6), dbSNP rs147312225, ClinGen allele CA8053043.

ClinVar aggregate classification (germline): Likely benign. Review status: criteria provided, multiple submitters, no conflicts (2 of 4 stars). 3 submissions from 3 submitters: Likely benign (2). 1 of the submissions does not count toward it. Last evaluated 2025-06-12.

Conditions:
Townes syndrome (TBS). Also called: Townes-Brocks syndrome. Identifiers: Orphanet 857, MedGen C0265246, MeSH C536974, MONDO:0007142.
SALL1-related disorder. Also called: SALL1-related condition.

Allele frequency attached by ClinVar (database versions not stated): ESP Exome Variant Server 0.00008.
gnomAD v4.1: 92 of 1,613,930 alleles (0.0057%); highest among the groups gnomAD compares: African/African-American, 0.028%; no homozygotes.

Submissions (3):

Labcorp Genetics (formerly Invitae), Labcorp
Classification: Likely benign for Townes syndrome. Last evaluated: 2025-06-12. Review status: criteria provided, single submitter. Criteria: Invitae Variant Classification Sherloc (09022015). Collection method: clinical testing. Allele origin: germline.

Blueprint Genetics
Classification: Likely benign. Last evaluated: 2023-12-18. Review status: criteria provided, single submitter. Criteria: ACMG Guidelines, 2015. Collection method: clinical testing. Allele origin: germline.

PreventionGenetics, part of Exact Sciences
Classification: Likely benign for SALL1-related condition. Last evaluated: 2024-05-06. Review status: no assertion criteria provided. Collection method: clinical testing. Allele origin: germline. Not counted in ClinVar's aggregate classification.
Comment: This variant is classified as likely benign based on ACMG/AMP sequence variant interpretation guidelines (Richards et al. 2015 PMID: 25741868, with internal and published modifications).